The following is an entry in ClinVar:

NM_004612.4(TGFBR1):c.1121G>A (p.Gly374Glu)

Gene: TGFBR1 (transforming growth factor beta receptor 1; plus strand). Cytogenetic location: 9q22.33.
Variant type: single nucleotide variant.
Coding change: c.1121G>A on transcript NM_004612.4 (MANE Select); coding-DNA position 1121, G replaced by A.
Protein change: p.Gly374Glu; replaces glycine 374 with glutamic acid.
Molecular consequence: missense variant.
Genome position (GRCh38, 1-based): chr9:99,144,879, G>A. VCF-style: chr9-99144879-G-A. GRCh37 (hg19) VCF-style: chr9-101907161-G-A.
Other names: c.890G>A, p.Gly297Glu (NM_001130916.3); c.1133G>A, p.Gly378Glu (NM_001306210.2); short protein forms G374E, G297E, G378E.
Identifiers: ClinVar variation 477551 (VCV000477551.12), dbSNP rs1554701930, ClinGen allele CA374231760.

ClinVar aggregate classification (germline): Conflicting classifications of pathogenicity. Review status: criteria provided, conflicting classifications (1 of 4 stars). 2 submissions from 2 submitters: Pathogenic (1); Uncertain significance (1). Last evaluated 2021-05-04.

Conditions:
Familial thoracic aortic aneurysm and aortic dissection (TAAD). Also called: Thoracic aortic aneurysms and dissections. Identifiers: Orphanet 91387, MedGen C4707243, MONDO:0019625.

Submissions (2):

Labcorp Genetics (formerly Invitae), Labcorp
Classification: Pathogenic for Familial thoracic aortic aneurysm and aortic dissection. Last evaluated: 2021-05-04. Review status: criteria provided, single submitter. Criteria: Invitae Variant Classification Sherloc (09022015). Collection method: clinical testing. Allele origin: germline.
Comment: For these reasons, this variant has been classified as Pathogenic. Advanced modeling of protein sequence and biophysical properties (such as structural, functional, and spatial information, amino acid conservation, physicochemical variation, residue mobility, and thermodynamic stability) performed at Invitae indicates that this missense variant is expected to disrupt TGFBR1 protein function. This variant has been observed in individual(s) with Loeys–Dietz Syndrome (PMID: 16928994, 27879313, Invitae). ClinVar contains an entry for this variant (Variation ID: 477551). This variant is not present in population databases (ExAC no frequency). This sequence change replaces glycine with glutamic acid at codon 374 of the TGFBR1 protein (p.Gly374Glu). The glycine residue is highly conserved and there is a moderate physicochemical difference between glycine and glutamic acid.

GeneDx
Classification: Uncertain significance. Last evaluated: 2020-11-23. Review status: criteria provided, single submitter. Criteria: GeneDx Variant Classification Process June 2021. Collection method: clinical testing. Allele origin: germline. Affected: yes.
Comment: Not observed in large population cohorts (Lek et al., 2016); In silico analysis supports that this missense variant has a deleterious effect on protein structure/function; This variant is associated with the following publications: (PMID: 27879313, 17061023, 16928994)

Literature cited by the submitters: PubMed 16928994 (cited by Labcorp Genetics (formerly Invitae), Labcorp); PubMed 27879313 (cited by Labcorp Genetics (formerly Invitae), Labcorp).